The following is an entry in ClinVar:

ClinVar aggregate classification (germline): Conflicting classifications of pathogenicity. Review status: criteria provided, conflicting classifications (1 of 4 stars). 3 submissions from 3 submitters: Likely pathogenic (1); Uncertain significance (1); Likely benign (1). Last evaluated 2026-04-01.

Conditions:
Primary ciliary dyskinesia. Also called: Ciliary dyskinesia. Identifiers: Orphanet 244, MedGen C0008780, MONDO:0016575, HP:0012265.

Submissions (3):

Department of Human Genetics, Hannover Medical School
Classification: Likely pathogenic for Primary Ciliary Dyskinesia. Last evaluated: 2026-04-01. Review status: criteria provided, single submitter. Criteria: ACMG Guidelines, 2015. Collection method: research. Allele origin: germline. Affected: no.
Comment: Classification performed by HerediClassify using the following criteria:['PM2_supporting: Variant occures does not occur as homozygous in gnomAD.', 'PVS1_protein_very_strong: Transcript ENST00000379883 is predicted to undergo NMD.']

Labcorp Genetics (formerly Invitae), Labcorp
Classification: Uncertain significance. Last evaluated: 2026-01-26. Review status: criteria provided, single submitter. Criteria: Invitae Variant Classification Sherloc (09022015). Collection method: clinical testing. Allele origin: germline.
Comment: This sequence change creates a premature translational stop signal (p.Lys172Asnfs*17) in the DDX58 gene. It is expected to result in an absent or disrupted protein product. However, the current clinical and genetic evidence is not sufficient to establish whether loss-of-function variants in DDX58 cause disease. This variant is present in population databases (rs550088215, gnomAD 0.01%). This variant has not been reported in the literature in individuals affected with DDX58-related conditions. ClinVar contains an entry for this variant (Variation ID: 1384960). In summary, the available evidence is currently insufficient to determine the role of this variant in disease. Therefore, it has been classified as a Variant of Uncertain Significance.

Blueprint Genetics
Classification: Likely benign. Last evaluated: 2024-09-30. Review status: criteria provided, single submitter. Criteria: ACMG Guidelines, 2015. Collection method: clinical testing. Allele origin: germline.

NM_014314.4(RIGI):c.516del (p.Lys172fs)

Gene: RIGI (RNA sensor RIG-I; minus strand). Cytogenetic location: 9p21.1.
Variant type: Deletion.
Coding change: c.516del on transcript NM_014314.4 (MANE Select); coding-DNA position 516, one base deleted (A; older notation c.516delA).
Protein change: p.Lys172fs; shifts the reading frame from lysine 172.
Molecular consequence: frameshift variant. On other transcripts: intron variant (1).
Genome position (GRCh38, 1-based): chr9:32,492,446, T deleted on the plus strand (A on the coding strand, the reverse complement: RIGI is on the minus strand); the first of 3 consecutive T bases (chr9:32,492,446-32,492,448); deleting any one gives the same sequence. VCF-style (leftmost placement, unchanged base first): chr9-32492445-GT-G. GRCh37 (hg19) VCF-style: chr9-32492443-GT-G.
Other names: c.516del, p.Lys172fs (NM_001385907.1, NM_001385909.1); c.75del, p.Lys25fs (NM_001385910.1, NM_001385914.1); c.501del, p.Lys167fs (NM_001385913.1); c.-38-1026del (NM_001385912.1); short protein forms K172fs, K25fs, K167fs.
Identifiers: ClinVar variation 1384960 (VCV001384960.8), dbSNP rs550088215, ClinGen allele CA5020059.
Genomic context (GRCh38, chr9:32,492,445, plus strand): 5'-TCTTACCTTTCTCTACAATCCACAGTTCACTGAACTTGTTCCTTTCTTTCTCCAAAGCAA[GT>G]TTCAAAGTTTTGGGCCAGTTTTCCTTGTCTGATCTGAGAAGGCATTCCACCAATTTCTCT-3'